The following is an entry in ClinVar:

ClinVar aggregate classification (germline): Likely benign. Review status: criteria provided, multiple submitters, no conflicts (2 of 4 stars). 2 submissions from 2 submitters: Likely benign (2). Last evaluated 2019-07-11.

Conditions:
Inborn genetic diseases. Identifiers: MedGen C0950123, MeSH D030342.

Allele frequency attached by ClinVar (database versions not stated): gnomAD exomes below 0.00001.
gnomAD v4.1: 1 of 1,602,056 alleles (0.000062%); highest among the groups gnomAD compares: South Asian, 0.0011%; no homozygotes.

Submissions (2):

Ambry Genetics
Classification: Likely benign for Inborn genetic diseases. Last evaluated: 2019-07-11. Review status: criteria provided, single submitter. Criteria: Ambry Variant Classification Scheme 2023. Collection method: clinical testing. Allele origin: germline.

GeneDx
Classification: Likely benign. Last evaluated: 2017-08-31. Review status: criteria provided, single submitter. Criteria: GeneDx Variant Classification (06012015). Collection method: clinical testing. Allele origin: germline. Affected: yes.
Comment: This variant is considered likely benign or benign based on one or more of the following criteria: it is a conservative change, it occurs at a poorly conserved position in the protein, it is predicted to be benign by multiple in silico algorithms, and/or has population frequency not consistent with disease.

NM_001244008.2(KIF1A):c.3168C>A (p.Pro1056=)

Gene: KIF1A (kinesin family member 1A; minus strand). Cytogenetic location: 2q37.3.
Variant type: single nucleotide variant.
Coding change: c.3168C>A on transcript NM_001244008.2 (MANE Select); coding-DNA position 3168, C replaced by A.
Protein change: p.Pro1056=; no amino-acid change (proline 1056 retained).
Molecular consequence: synonymous variant.
Genome position (GRCh38, 1-based): chr2:240,746,073, G>T on the plus strand (C>A on the coding strand, the complement: KIF1A is on the minus strand). VCF-style: chr2-240746073-G-T. GRCh37 (hg19) VCF-style: chr2-241685490-G-T.
Other names: c.2892C>A, p.Pro964= (NM_001320705.2, NM_001330289.2, NM_001379638.1); c.2967C>A, p.Pro989= (NM_001330290.2, NM_001379634.1, NM_001379635.1 and 1 more transcripts); c.3243C>A, p.Pro1081= (NM_001379631.1); c.3117C>A, p.Pro1039= (NM_001379632.1); c.3141C>A, p.Pro1047= (NM_001379633.1, NM_001379642.1, NM_001379645.1); c.2865C>A, p.Pro955= (NM_001379636.1, NM_001379639.1, NM_001379640.1 and 6 more transcripts); c.2940C>A, p.Pro980= (NM_001379637.1, NM_001379648.1).
Identifiers: ClinVar variation 511828 (VCV000511828.3), dbSNP rs1553630541, ClinGen allele CA432029597.